The following is an entry in ClinVar:

NM_001040108.2(MLH3):c.3385G>A (p.Val1129Met)

Gene: MLH3 (mutL homolog 3; minus strand). Cytogenetic location: 14q24.3.
Variant type: single nucleotide variant.
Coding change: c.3385G>A on transcript NM_001040108.2 (MANE Select); coding-DNA position 3385, G replaced by A.
Protein change: p.Val1129Met; replaces valine 1129 with methionine.
Molecular consequence: missense variant.
Genome position (GRCh38, 1-based): chr14:75,041,695, C>T on the plus strand (G>A on the coding strand, the complement: MLH3 is on the minus strand). VCF-style: chr14-75041695-C-T. GRCh37 (hg19) VCF-style: chr14-75508398-C-T.
Other names: c.3385G>A, p.Val1129Met (NM_014381.3); short protein forms V1129M.
Identifiers: ClinVar variation 1730848 (VCV001730848.2), dbSNP rs2139496009, ClinGen allele CA390431214.
Genomic context (GRCh38, chr14:75,041,695, plus strand): 5'-CTGGATTGTCCCATTCTGAGAACAAAGACTGAAGCGATTCGCTACTAACAGTATCATCCA[C>T]AGTATCTAGGGCAAAAGGGAACAGGTAAAGTTGGCATCCAGAACCACAGGGAAAGGAGGG-3'
Protein context (NP_001035197.1, residues 1119-1139): TVMRQDNRDT[Val1129Met]DDTVSSESLQ

ClinVar aggregate classification (germline): Uncertain significance (1 of 4 stars; one submission).

Submission:

Ambry Genetics
Classification: Uncertain significance. Last evaluated: 2024-03-14. Review status: criteria provided, single submitter. Criteria: Ambry Variant Classification Scheme 2023. Collection method: clinical testing. Allele origin: germline.
Comment: The p.V1129M variant (also known as c.3385G>A), located in coding exon 3 of the MLH3 gene, results from a G to A substitution at nucleotide position 3385. The valine at codon 1129 is replaced by methionine, an amino acid with highly similar properties. This amino acid position is conserved. In addition, this alteration is predicted to be tolerated by in silico analysis. Since supporting evidence is limited at this time, the clinical significance of this alteration remains unclear.